The following is an entry in ClinVar:

NM_002291.3(LAMB1):c.2335G>T (p.Gly779Cys)

Gene: LAMB1 (laminin subunit beta 1; minus strand). Cytogenetic location: 7q31.1.
Variant type: single nucleotide variant.
Coding change: c.2335G>T on transcript NM_002291.3 (MANE Select); coding-DNA position 2335, G replaced by T.
Protein change: p.Gly779Cys; replaces glycine 779 with cysteine.
Molecular consequence: missense variant.
Genome position (GRCh38, 1-based): chr7:107,959,814, C>A on the plus strand (G>T on the coding strand, the complement: LAMB1 is on the minus strand). VCF-style: chr7-107959814-C-A. GRCh37 (hg19) VCF-style: chr7-107600259-C-A.
Other names: short protein forms G779C.
Identifiers: ClinVar variation 2977986 (VCV002977986.3), dbSNP rs182916295, ClinGen allele CA4435672.

ClinVar aggregate classification (germline): Uncertain significance (1 of 4 stars; one submission).

Allele frequency attached by ClinVar (database versions not stated): TOPMed 0.00005; ESP Exome Variant Server 0.00008.
gnomAD v4.1: 5 of 1,613,360 alleles (0.00031%); highest among the groups gnomAD compares: African/African-American, 0.004%; no homozygotes.

Submission:

Labcorp Genetics (formerly Invitae), Labcorp
Classification: Uncertain significance. Last evaluated: 2023-10-10. Review status: criteria provided, single submitter. Criteria: Invitae Variant Classification Sherloc (09022015). Collection method: clinical testing. Allele origin: germline.
Comment: This sequence change replaces glycine, which is neutral and non-polar, with cysteine, which is neutral and slightly polar, at codon 779 of the LAMB1 protein (p.Gly779Cys). This variant is present in population databases (rs182916295, gnomAD 0.01%). This variant has not been reported in the literature in individuals affected with LAMB1-related conditions. An algorithm developed to predict the effect of missense changes on protein structure and function (PolyPhen-2) suggests that this variant is likely to be disruptive. In summary, the available evidence is currently insufficient to determine the role of this variant in disease. Therefore, it has been classified as a Variant of Uncertain Significance.